The following is an entry in ClinVar:

ClinVar aggregate classification (germline): Likely benign. Review status: criteria provided, multiple submitters, no conflicts (2 of 4 stars). 2 submissions from 2 submitters: Likely benign (2). Last evaluated 2024-01-04.

Conditions:
Ehlers-Danlos syndrome, classic type, 1 (EDSCL1). Also called: EHLERS-DANLOS SYNDROME, GRAVIS TYPE; EHLERS-DANLOS SYNDROME, SEVERE CLASSIC TYPE; Ehlers-Danlos Syndrome, Classic Type, COL5A1-Related; EDS I; Ehlers-Danlos syndrome, type 1. Identifiers: MedGen C0268335, MONDO:0019567, OMIM 130000.

Submissions (2):

Labcorp Genetics (formerly Invitae), Labcorp
Classification: Likely benign for Ehlers-Danlos syndrome, classic type, 1. Last evaluated: 2024-01-04. Review status: criteria provided, single submitter. Criteria: Invitae Variant Classification Sherloc (09022015). Collection method: clinical testing. Allele origin: germline.

GeneDx
Classification: Likely benign. Last evaluated: 2016-11-01. Review status: criteria provided, single submitter. Criteria: GeneDx Variant Classification (06012015). Collection method: clinical testing. Allele origin: germline. Affected: yes.
Comment: This variant is considered likely benign or benign based on one or more of the following criteria: it is a conservative change, it occurs at a poorly conserved position in the protein, it is predicted to be benign by multiple in silico algorithms, and/or has population frequency not consistent with disease.

NM_000393.5(COL5A2):c.4353+8C>G

Gene: COL5A2 (collagen type V alpha 2 chain; minus strand). Cytogenetic location: 2q32.2.
Variant type: single nucleotide variant.
Coding change: c.4353+8C>G on transcript NM_000393.5 (MANE Select); 8 bases into the intron after coding-DNA position 4353, C replaced by G.
Molecular consequence: intron variant.
Genome position (GRCh38, 1-based): chr2:189,034,908, G>C on the plus strand (C>G on the coding strand, the complement: COL5A2 is on the minus strand). VCF-style: chr2-189034908-G-C. GRCh37 (hg19) VCF-style: chr2-189899634-G-C.
Identifiers: ClinVar variation 390344 (VCV000390344.4), dbSNP rs1057523735, ClinGen allele CA16604068.